The following is an entry in ClinVar:

NM_001349253.2(SCN11A):c.1820A>G (p.Lys607Arg)

Gene: SCN11A (sodium voltage-gated channel alpha subunit 11; minus strand). Cytogenetic location: 3p22.2.
Variant type: single nucleotide variant.
Coding change: c.1820A>G on transcript NM_001349253.2 (MANE Select); coding-DNA position 1820, A replaced by G.
Protein change: p.Lys607Arg; replaces lysine 607 with arginine.
Molecular consequence: missense variant.
Genome position (GRCh38, 1-based): chr3:38,903,887, T>C on the plus strand (A>G on the coding strand, the complement: SCN11A is on the minus strand). VCF-style: chr3-38903887-T-C. GRCh37 (hg19) VCF-style: chr3-38945378-T-C.
Other names: c.1820A>G, p.Lys607Arg (NM_014139.3); short protein forms K607R.
Identifiers: ClinVar variation 838725 (VCV000838725.6), dbSNP rs2065744030, ClinGen allele CA352163863.

ClinVar aggregate classification (germline): Uncertain significance (1 of 4 stars; one submission).

Conditions:
Hereditary sensory and autonomic neuropathy type 7. Also called: Neuropathy, hereditary sensory and autonomic, type VII; HSAN VII. Identifiers: Orphanet 391397, MedGen C3809882, MONDO:0014244, OMIM 615548.
Familial episodic pain syndrome with predominantly lower limb involvement. Also called: Episodic pain syndrome, familial, 3. Identifiers: Orphanet 391384, Orphanet 391392, MedGen C3809899, MONDO:0014247, OMIM 615552.

Submission:

Labcorp Genetics (formerly Invitae), Labcorp
Classification: Uncertain significance for Familial episodic pain syndrome with predominantly lower limb involvement; Hereditary sensory and autonomic neuropathy type 7. Last evaluated: 2019-01-19. Review status: criteria provided, single submitter. Criteria: Invitae Variant Classification Sherloc (09022015). Collection method: clinical testing. Allele origin: germline.
Comment: This variant has not been reported in the literature in individuals with SCN11A-related conditions. This variant is not present in population databases (ExAC no frequency). This sequence change replaces lysine with arginine at codon 607 of the SCN11A protein (p.Lys607Arg). The lysine residue is weakly conserved and there is a small physicochemical difference between lysine and arginine. Algorithms developed to predict the effect of missense changes on protein structure and function output the following: SIFT: "Tolerated"; PolyPhen-2: "Benign"; Align-GVGD: "Class C0". The arginine amino acid residue is found in multiple mammalian species, suggesting that this missense change does not adversely affect protein function. These predictions have not been confirmed by published functional studies and their clinical significance is uncertain. In summary, the available evidence is currently insufficient to determine the role of this variant in disease. Therefore, it has been classified as a Variant of Uncertain Significance.